The following is an entry in ClinVar:

NM_015272.5(RPGRIP1L):c.2958+5G>A

Gene: RPGRIP1L (RPGRIP1 like; minus strand). Cytogenetic location: 16q12.2.
Variant type: single nucleotide variant.
Coding change: c.2958+5G>A on transcript NM_015272.5 (MANE Select); 5 bases into the intron after coding-DNA position 2958, G replaced by A.
Molecular consequence: intron variant.
Genome position (GRCh38, 1-based): chr16:53,641,028, C>T on the plus strand (G>A on the coding strand, the complement: RPGRIP1L is on the minus strand). VCF-style: chr16-53641028-C-T. GRCh37 (hg19) VCF-style: chr16-53674940-C-T.
Other names: c.2958+5G>A (NM_001127897.4, NM_001330538.2, NM_001308334.3).
Identifiers: ClinVar variation 4980843 (VCV004980843.1).
Genomic context (GRCh38, chr16:53,641,028, plus strand): 5'-GCCTATATAATTTATTTCAAATATTTGTTATGAAAAAATCAGTATTTTCAGTGTCTACTA[C>T]TTACATCACTCTGATGTGGCATGATATCCACGAAAGATACCTTCTTATCTACAGGTGTTA-3'

ClinVar aggregate classification (germline): Uncertain significance (1 of 4 stars; one submission).

Conditions:
RPGRIP1L-related disorder. Also called: RPGRIP1L-related disorders; RPGRIP1L-related condition. Identifiers: MedGen CN239416.

gnomAD v4.1: 3 of 1,593,522 alleles (0.00019%); highest among the groups gnomAD compares: Non-Finnish European, 0.00026%; no homozygotes.

Submission:

PreventionGenetics, part of Exact Sciences
Classification: Uncertain significance for RPGRIP1L-related condition. Last evaluated: 2026-05-13. Review status: criteria provided, single submitter. Criteria: ACMG Guidelines, 2015. Collection method: clinical testing. Allele origin: germline.
Comment: The RPGRIP1L c.2958+5G>A variant is predicted to interfere with splicing. This variant is predicted to alter splicing based on available splicing prediction programs (SpliceAI, Jaganathan et al. 2019. PubMed ID: 30661751). To our knowledge, this variant has not been reported in the literature or in a large population database (gnomAD), indicating this variant is rare. At this time, the clinical significance of this variant is uncertain due to the absence of conclusive functional and genetic evidence.